The following is an entry in ClinVar:

ClinVar aggregate classification (germline): Likely benign. Review status: criteria provided, multiple submitters, no conflicts (2 of 4 stars). 3 submissions from 3 submitters: Likely benign (3). Last evaluated 2025-07-03.

Conditions:
SNRNP200-related disorder. Also called: SNRNP200-related condition.

Allele frequency attached by ClinVar (database versions not stated): ExAC 0.00002; gnomAD 0.00002; TOPMed 0.00002; gnomAD exomes 0.00005.

Submissions (3):

PreventionGenetics, part of Exact Sciences
Classification: Likely benign for SNRNP200-related condition. Last evaluated: 2025-07-03. Review status: criteria provided, single submitter. Criteria: ACMG Guidelines, 2015. Collection method: clinical testing. Allele origin: germline.
Comment: This variant is classified as likely benign based on ACMG/AMP sequence variant interpretation guidelines (Richards et al. 2015 PMID: 25741868, with internal and published modifications).

Labcorp Genetics (formerly Invitae), Labcorp
Classification: Likely benign. Last evaluated: 2025-04-22. Review status: criteria provided, single submitter. Criteria: Invitae Variant Classification Sherloc (09022015). Collection method: clinical testing. Allele origin: germline.

Blueprint Genetics
Classification: Likely benign. Last evaluated: 2024-08-28. Review status: criteria provided, single submitter. Criteria: ACMG Guidelines, 2015. Collection method: clinical testing. Allele origin: germline.

NM_014014.5(SNRNP200):c.6387T>C (p.Ala2129=)

Gene: SNRNP200 (small nuclear ribonucleoprotein U5 subunit 200; minus strand). Cytogenetic location: 2q11.2.
Variant type: single nucleotide variant.
Coding change: c.6387T>C on transcript NM_014014.5 (MANE Select); coding-DNA position 6387, T replaced by C.
Protein change: p.Ala2129=; no amino-acid change (alanine 2129 retained).
Molecular consequence: synonymous variant.
Genome position (GRCh38, 1-based): chr2:96,275,036, A>G on the plus strand (T>C on the coding strand, the complement: SNRNP200 is on the minus strand). VCF-style: chr2-96275036-A-G. GRCh37 (hg19) VCF-style: chr2-96940774-A-G.
Other names: c.6387T>C (NM_014014.4).
Identifiers: ClinVar variation 1923819 (VCV001923819.7), dbSNP rs778606042, ClinGen allele CA1777721.